The following is an entry in ClinVar:

NM_000388.4(CASR):c.492+6C>G

Gene: CASR (calcium sensing receptor; plus strand). Cytogenetic location: 3q21.1.
Variant type: single nucleotide variant.
Coding change: c.492+6C>G on transcript NM_000388.4 (MANE Select); 6 bases into the intron after coding-DNA position 492, C replaced by G.
Molecular consequence: intron variant.
Genome position (GRCh38, 1-based): chr3:122,257,393, C>G. VCF-style: chr3-122257393-C-G. GRCh37 (hg19) VCF-style: chr3-121976240-C-G.
Other names: c.492+6C>G (NM_001178065.2).
Identifiers: ClinVar variation 3757210 (VCV003757210.2).

ClinVar aggregate classification (germline): Uncertain significance (1 of 4 stars; one submission).

Conditions:
Familial hypocalciuric hypercalcemia (FHH). Also called: Familial benign hypercalcemia. Identifiers: Orphanet 405, MedGen C1809471, MONDO:0018458.
Autosomal dominant hypocalcemia 1 (HYPOC1). Also called: HYPOCALCEMIA, FAMILIAL. Identifiers: MedGen C3715128, MONDO:0011013, OMIM 601198.

gnomAD v4.1: 1 of 1,611,350 alleles (0.000062%); highest among the groups gnomAD compares: South Asian, 0.0011%; no homozygotes.

Submission:

Labcorp Genetics (formerly Invitae), Labcorp
Classification: Uncertain significance for Familial hypocalciuric hypercalcemia; Autosomal dominant hypocalcemia 1. Last evaluated: 2024-10-10. Review status: criteria provided, single submitter. Criteria: Invitae Variant Classification Sherloc (09022015). Collection method: clinical testing. Allele origin: germline.
Comment: This sequence change falls in intron 3 of the CASR gene. It does not directly change the encoded amino acid sequence of the CASR protein. It affects a nucleotide within the consensus splice site. This variant is not present in population databases (gnomAD no frequency). This variant has not been reported in the literature in individuals affected with CASR-related conditions. Variants that disrupt the consensus splice site are a relatively common cause of aberrant splicing (PMID: 17576681, 9536098). Algorithms developed to predict the effect of sequence changes on RNA splicing suggest that this variant is not likely to affect RNA splicing. In summary, the available evidence is currently insufficient to determine the role of this variant in disease. Therefore, it has been classified as a Variant of Uncertain Significance.

Literature cited by the submitters: PubMed 17576681; PubMed 9536098.